The following is an entry in ClinVar:

NM_014314.4(RIGI):c.1494A>C (p.Gln498His)

Gene: RIGI (RNA sensor RIG-I; minus strand). Cytogenetic location: 9p21.1.
Variant type: single nucleotide variant.
Coding change: c.1494A>C on transcript NM_014314.4 (MANE Select); coding-DNA position 1494, A replaced by C.
Protein change: p.Gln498His; replaces glutamine 498 with histidine.
Molecular consequence: missense variant.
Genome position (GRCh38, 1-based): chr9:32,481,484, T>G on the plus strand (A>C on the coding strand, the complement: RIGI is on the minus strand). VCF-style: chr9-32481484-T-G. GRCh37 (hg19) VCF-style: chr9-32481482-T-G.
Other names: c.1488A>C, p.Gln496His (NM_001385907.1); c.1494A>C, p.Gln498His (NM_001385909.1); c.1053A>C, p.Gln351His (NM_001385910.1); c.885A>C, p.Gln295His (NM_001385912.1); c.1479A>C, p.Gln493His (NM_001385913.1); c.1050A>C, p.Gln350His (NM_001385914.1); short protein forms Q295H, Q351H, Q493H, Q350H, Q496H, Q498H.
Identifiers: ClinVar variation 3650277 (VCV003650277.2).

ClinVar aggregate classification (germline): Uncertain significance (1 of 4 stars; one submission).

gnomAD v4.1: 3 of 1,582,152 alleles (0.00019%); highest among the groups gnomAD compares: Admixed American, 0.0037%; no homozygotes.

Submission:

Labcorp Genetics (formerly Invitae), Labcorp
Classification: Uncertain significance. Last evaluated: 2024-06-04. Review status: criteria provided, single submitter. Criteria: Invitae Variant Classification Sherloc (09022015). Collection method: clinical testing. Allele origin: germline.
Comment: This sequence change replaces glutamine, which is neutral and polar, with histidine, which is basic and polar, at codon 498 of the DDX58 protein (p.Gln498His). This variant is present in population databases (no rsID available, gnomAD 0.004%). This variant has not been reported in the literature in individuals affected with DDX58-related conditions. Algorithms developed to predict the effect of missense changes on protein structure and function output the following: SIFT: "Not Available"; PolyPhen-2: "Benign"; Align-GVGD: "Not Available". The histidine amino acid residue is found in multiple mammalian species, which suggests that this missense change does not adversely affect protein function. In summary, the available evidence is currently insufficient to determine the role of this variant in disease. Therefore, it has been classified as a Variant of Uncertain Significance.